The following is an entry in ClinVar:

ClinVar aggregate classification (germline): Pathogenic (1 of 4 stars; one submission).

Submission:

Labcorp Genetics (formerly Invitae), Labcorp
Classification: Pathogenic. Last evaluated: 2025-10-03. Review status: criteria provided, single submitter. Criteria: Invitae Variant Classification Sherloc (09022015). Collection method: clinical testing. Allele origin: germline.
Comment: This sequence change creates a premature translational stop signal (p.Asp176Thrfs*16) in the CFAP410 gene. It is expected to result in an absent or disrupted protein product. Loss-of-function variants in CFAP410 are known to be pathogenic (PMID: 23105016, 26167768). This variant is not present in population databases (gnomAD no frequency). This variant has not been reported in the literature in individuals affected with CFAP410-related conditions. ClinVar contains an entry for this variant (Variation ID: 2823020). For these reasons, this variant has been classified as Pathogenic.

Literature cited by the submitters: PubMed 23105016; PubMed 26167768.

NM_004928.3(CFAP410):c.526del (p.Asp176fs)

Gene: CFAP410 (cilia and flagella associated protein 410; minus strand). Cytogenetic location: 21q22.3.
Variant type: Deletion.
Coding change: c.526del on transcript NM_004928.3 (MANE Select); coding-DNA position 526, one base deleted (G; older notation c.526delG).
Protein change: p.Asp176fs; shifts the reading frame from aspartic acid 176.
Molecular consequence: frameshift variant.
Genome position (GRCh38, 1-based): chr21:44,331,862, C deleted on the plus strand (G on the coding strand, the reverse complement: CFAP410 is on the minus strand); the first of 2 consecutive C bases (chr21:44,331,862-44,331,863); deleting either gives the same sequence. VCF-style (leftmost placement, unchanged base first): chr21-44331861-TC-T. GRCh37 (hg19) VCF-style: chr21-45751744-TC-T.
Other names: c.526del, p.Asp176fs (NM_001271440.2, NM_001271441.2); c.403del, p.Asp135fs (NM_001271442.1); short protein forms D135fs, D176fs.
Identifiers: ClinVar variation 2823020 (VCV002823020.3), dbSNP rs2518047257, ClinGen allele CA2739267690.
Genomic context (GRCh38, chr21:44,331,861, plus strand): 5'-ACAGGGATGGGCTGCGGAGTCCCCGCTGCCCTCCAGCCTCACGTTGCCTCCTCCTCGCTG[TC>T]CAGCGGGTCCCGGCCAGTCTCAGCAGCGGAGCTGAGGGAGCTCAGTGTGCAGCATAGCTT-3'